The following is an entry in ClinVar:

ClinVar aggregate classification (germline): Uncertain significance (1 of 4 stars; one submission).

Conditions:
Primary familial hypertrophic cardiomyopathy (HCM). Identifiers: Orphanet 99739, MedGen C0949658, MeSH D024741, MONDO:0024573. Inheritance: Various modes of inheritance.

Allele frequency attached by ClinVar (database versions not stated): TOPMed below 0.00001; gnomAD 0.00001; gnomAD exomes 0.00001 and 0.00002.

Submission:

Labcorp Genetics (formerly Invitae), Labcorp
Classification: Uncertain significance for Primary familial hypertrophic cardiomyopathy. Last evaluated: 2023-11-07. Review status: criteria provided, single submitter. Criteria: Invitae Variant Classification Sherloc (09022015). Collection method: clinical testing. Allele origin: germline.
Comment: This sequence change falls in intron 3 of the ILK gene. It does not directly change the encoded amino acid sequence of the ILK protein. It affects a nucleotide within the consensus splice site. This variant is present in population databases (no rsID available, gnomAD 0.002%). This variant has not been reported in the literature in individuals affected with ILK-related conditions. ClinVar contains an entry for this variant (Variation ID: 862792). Variants that disrupt the consensus splice site are a relatively common cause of aberrant splicing (PMID: 17576681, 9536098). Algorithms developed to predict the effect of sequence changes on RNA splicing suggest that this variant is not likely to affect RNA splicing. In summary, the available evidence is currently insufficient to determine the role of this variant in disease. Therefore, it has been classified as a Variant of Uncertain Significance.

Literature cited by the submitters: PubMed 17576681; PubMed 9536098.

NM_004517.4(ILK):c.255+3A>G

Genes: TAF10 (TATA-box binding protein associated factor 10; minus strand), ILK (integrin linked kinase; plus strand). Cytogenetic location: 11p15.4.
Variant type: single nucleotide variant.
Coding change: c.255+3A>G on transcript NM_004517.4 (MANE Select); 3 bases into the intron after coding-DNA position 255, A replaced by G.
Molecular consequence: intron variant. On other transcripts: 3 prime UTR variant (1).
Genome position (GRCh38, 1-based): chr11:6,608,214, A>G. VCF-style: chr11-6608214-A-G. GRCh37 (hg19) VCF-style: chr11-6629444-A-G.
Other names: c.*2708T>C (NM_006284.4); c.255+3A>G (NM_001014795.3, NM_001278441.2, NM_001014794.3); c.-147-180A>G (NM_001278442.2).
Identifiers: ClinVar variation 862792 (VCV000862792.8), dbSNP rs1440217863, ClinGen allele CA597439892.